The following is an entry in ClinVar:

ClinVar aggregate classification (germline): Benign/Likely benign. Review status: criteria provided, multiple submitters, no conflicts (2 of 4 stars). 2 submissions from 2 submitters: Benign (1); Likely benign (1). Last evaluated 2026-02-01.

Allele frequency attached by ClinVar (database versions not stated): ExAC 0.00017.

Submissions (2):

CeGaT Center for Human Genetics Tuebingen
Classification: Likely benign. Last evaluated: 2026-02-01. Review status: criteria provided, single submitter. Criteria: CeGaT Center For Human Genetics Tuebingen Variant Classification Criteria Version 2. Collection method: clinical testing. Allele origin: germline. Affected: yes. Observed: 7 variant alleles.
Comment: KMT2C: BP4, BP7

Labcorp Genetics (formerly Invitae), Labcorp
Classification: Benign. Last evaluated: 2022-11-01. Review status: criteria provided, single submitter. Criteria: Invitae Variant Classification Sherloc (09022015). Collection method: clinical testing. Allele origin: germline.

NM_170606.3(KMT2C):c.921T>C (p.His307=)

Gene: KMT2C (lysine methyltransferase 2C; minus strand). Cytogenetic location: 7q36.1.
Variant type: single nucleotide variant.
Coding change: c.921T>C on transcript NM_170606.3 (MANE Select); coding-DNA position 921, T replaced by C.
Protein change: p.His307=; no amino-acid change (histidine 307 retained).
Molecular consequence: synonymous variant.
Genome position (GRCh38, 1-based): chr7:152,273,796, A>G on the plus strand (T>C on the coding strand, the complement: KMT2C is on the minus strand). VCF-style: chr7-152273796-A-G. GRCh37 (hg19) VCF-style: chr7-151970881-A-G.
Identifiers: ClinVar variation 1548211 (VCV001548211.18), dbSNP rs776763882, ClinGen allele CA169231568.